The following is an entry in ClinVar:

NM_001267550.2(TTN):c.52705+10T>C

Genes: TTN (titin; minus strand), TTN-AS1 (TTN antisense RNA 1; plus strand), LOC126806425 (BRD4-independent group 4 enhancer GRCh37_chr2:179471933-179473132; plus strand). Cytogenetic location: 2q31.2.
Variant type: single nucleotide variant.
Coding change: c.52705+10T>C on transcript NM_001267550.2 (MANE Select); 10 bases into the intron after coding-DNA position 52705, T replaced by C.
Molecular consequence: intron variant. On other transcripts: non-coding transcript variant (1).
Genome position (GRCh38, 1-based): chr2:178,608,168, A>G on the plus strand (T>C on the coding strand, the complement: TTN is on the minus strand). VCF-style: chr2-178608168-A-G. GRCh37 (hg19) VCF-style: chr2-179472895-A-G.
Other names: c.25510+10T>C (NM_003319.4); c.26086+10T>C (NM_133437.4); c.25885+10T>C (NM_133432.3); c.45001+10T>C (NM_133378.4); c.47782+10T>C (NM_001256850.1).
Identifiers: ClinVar variation 514547 (VCV000514547.1), dbSNP rs1553687969, ClinGen allele CA658795986.

ClinVar aggregate classification (germline): Likely benign (1 of 4 stars; one submission).

Submission:

GeneDx
Classification: Likely benign. Last evaluated: 2017-12-28. Review status: criteria provided, single submitter. Criteria: GeneDx Variant Classification (06012015). Collection method: clinical testing. Allele origin: germline. Affected: yes.
Comment: This variant is considered likely benign or benign based on one or more of the following criteria: it is a conservative change, it occurs at a poorly conserved position in the protein, it is predicted to be benign by multiple in silico algorithms, and/or has population frequency not consistent with disease.